The following is an entry in ClinVar:

ClinVar aggregate classification (germline): Uncertain significance (1 of 4 stars; one submission).

Submission:

GeneDx
Classification: Uncertain significance. Last evaluated: 2025-06-23. Review status: criteria provided, single submitter. Criteria: GeneDx Variant Classification Process June 2021. Collection method: clinical testing. Allele origin: germline. Affected: yes.
Comment: Not observed at significant frequency in large population cohorts (gnomAD); In silico analysis supports that this missense variant has a deleterious effect on protein structure/function; Has not been previously published as pathogenic or benign to our knowledge

NM_003587.5(DHX16):c.188C>G (p.Ala63Gly)

Gene: DHX16 (DEAH-box helicase 16; minus strand). Cytogenetic location: 6p21.33.
Variant type: single nucleotide variant.
Coding change: c.188C>G on transcript NM_003587.5 (MANE Select); coding-DNA position 188, C replaced by G.
Protein change: p.Ala63Gly; replaces alanine 63 with glycine.
Molecular consequence: missense variant. On other transcripts: 5 prime UTR variant (1), intron variant (1).
Genome position (GRCh38, 1-based): chr6:30,672,654, G>C on the plus strand (C>G on the coding strand, the complement: DHX16 is on the minus strand). VCF-style: chr6-30672654-G-C. GRCh37 (hg19) VCF-style: chr6-30640431-G-C.
Other names: c.-1932C>G (NM_001363515.2); c.27+302C>G (NM_001164239.2); short protein forms A63G.
Identifiers: ClinVar variation 4540359 (VCV004540359.1).